The following is an entry in ClinVar:

NM_000075.4(CDK4):c.603C>T (p.Gly201=)

Gene: CDK4 (cyclin dependent kinase 4; minus strand). Cytogenetic location: 12q14.1.
Variant type: single nucleotide variant.
Coding change: c.603C>T on transcript NM_000075.4 (MANE Select); coding-DNA position 603, C replaced by T.
Protein change: p.Gly201=; no amino-acid change (glycine 201 retained).
Molecular consequence: synonymous variant.
Genome position (GRCh38, 1-based): chr12:57,750,685, G>A on the plus strand (C>T on the coding strand, the complement: CDK4 is on the minus strand). VCF-style: chr12-57750685-G-A. GRCh37 (hg19) VCF-style: chr12-58144468-G-A.
Identifiers: ClinVar variation 3378758 (VCV003378758.3).

ClinVar aggregate classification (germline): Benign/Likely benign. Review status: criteria provided, multiple submitters, no conflicts (2 of 4 stars). 2 submissions from 2 submitters: Benign (1); Likely benign (1). Last evaluated 2024-09-26.

Conditions:
Melanoma, cutaneous malignant, susceptibility to, 3. Also called: Cutaneous malignant melanoma 3. Identifiers: Orphanet 618, MedGen C1836892, MONDO:0012183, OMIM 609048.
Familial melanoma. Also called: Hereditary melanoma; Hereditary cutaneous melanoma. Identifiers: Orphanet 618, MedGen C1512419, MONDO:0018961.

Submissions (2):

Myriad Genetics, Inc.
Classification: Benign for Melanoma, cutaneous malignant, susceptibility to, 3. Last evaluated: 2024-09-26. Review status: criteria provided, single submitter. Criteria: Myriad Autosomal Dominant, Autosomal Recessive and X-Linked Classification Criteria (2023). Collection method: clinical testing. Allele origin: unknown.
Comment: This variant is considered benign. This variant is a silent/synonymous amino acid change and it is not expected to impact splicing.

Labcorp Genetics (formerly Invitae), Labcorp
Classification: Likely benign for Familial melanoma. Last evaluated: 2024-09-09. Review status: criteria provided, single submitter. Criteria: Invitae Variant Classification Sherloc (09022015). Collection method: clinical testing. Allele origin: germline.